The following is an entry in ClinVar:

NM_001042492.3(NF1):c.3469G>A (p.Val1157Ile)

Gene: NF1 (neurofibromin 1; plus strand). Cytogenetic location: 17q11.2.
Variant type: single nucleotide variant.
Coding change: c.3469G>A on transcript NM_001042492.3 (MANE Select); coding-DNA position 3469, G replaced by A.
Protein change: p.Val1157Ile; replaces valine 1157 with isoleucine.
Molecular consequence: missense variant.
Genome position (GRCh38, 1-based): chr17:31,232,854, G>A. VCF-style: chr17-31232854-G-A. GRCh37 (hg19) VCF-style: chr17-29559872-G-A.
Other names: c.3469G>A, p.Val1157Ile (NM_000267.4); short protein forms V1157I.
Identifiers: ClinVar variation 484058 (VCV000484058.17), dbSNP rs375845704, ClinGen allele CA289338058.

ClinVar aggregate classification (germline): Conflicting classifications of pathogenicity. Review status: criteria provided, conflicting classifications (1 of 4 stars). 5 submissions from 5 submitters: Uncertain significance (2); Benign (1); Likely benign (2). Last evaluated 2026-09-11.

Conditions:
Hereditary cancer-predisposing syndrome. Also called: Neoplastic Syndromes, Hereditary; Hereditary neoplastic syndrome; Hereditary Cancer Syndrome; Tumor predisposition. Identifiers: Orphanet 140162, MedGen C0027672, MeSH D009386, MONDO:0015356.
Cardiovascular phenotype. Identifiers: MedGen CN230736.
Neurofibromatosis, type 1 (NF1). Also called: VON RECKLINGHAUSEN DISEASE; Neurofibromatosis, type I; Peripheral type neurofibromatosis; NEUROFIBROMATOSIS, TYPE I, SOMATIC. Identifiers: Orphanet 636, MedGen C0027831, MONDO:0018975, OMIM 162200. Disease mechanism: loss of function.

Allele frequency attached by ClinVar (database versions not stated): TOPMed below 0.00001; gnomAD 0.00001; gnomAD exomes 0.00001; ESP Exome Variant Server 0.00008.
gnomAD v4.1: 13 of 1,613,990 alleles (0.00081%); highest among the groups gnomAD compares: Non-Finnish European, 0.0011%; no homozygotes.

Submissions (5):

Ambry Genetics
Classification: Likely benign for Cardiovascular phenotype; Hereditary cancer-predisposing syndrome. Last evaluated: 2026-09-11. Review status: criteria provided, single submitter. Criteria: Ambry Variant Classification Scheme 2023. Collection method: clinical testing. Allele origin: germline.

Labcorp Genetics (formerly Invitae), Labcorp
Classification: Benign for Neurofibromatosis, type 1. Last evaluated: 2025-09-15. Review status: criteria provided, single submitter. Criteria: Invitae Variant Classification Sherloc (09022015). Collection method: clinical testing. Allele origin: germline.

Laboratory of Genetics, Children's Clinical University Hospital Latvia
Classification: Likely benign. Last evaluated: 2025-02-16. Review status: criteria provided, single submitter. Criteria: ACMG Guidelines, 2015. Collection method: clinical testing. Allele origin: germline. Affected: yes.

Genome-Nilou Lab
Classification: Uncertain significance for Neurofibromatosis, type 1. Last evaluated: 2022-03-15. Review status: criteria provided, single submitter. Criteria: ACMG Guidelines, 2015. Collection method: clinical testing. Allele origin: germline. Affected: no.

GeneDx
Classification: Uncertain significance. Last evaluated: 2021-03-15. Review status: criteria provided, single submitter. Criteria: GeneDx Variant Classification Process June 2021. Collection method: clinical testing. Allele origin: germline. Affected: yes.
Comment: In silico analysis supports that this missense variant does not alter protein structure/function; Identified among individuals with breast cancer in a case-control study (Momozawa 2018); This variant is associated with the following publications: (PMID: 30287823)

Literature cited by the submitters: PubMed 30287823 (cited by Ambry Genetics).